The following is an entry in ClinVar:

NM_001161352.2(KCNMA1):c.27_37delinsTGGCGGCGGCGGCGGCGGCAGCA (p.Ser11_Gly13delinsGlyGlyGlyGlyGlySerSer)

Gene: KCNMA1 (potassium calcium-activated channel subfamily M alpha 1; minus strand). Cytogenetic location: 10q22.3.
Variant type: Indel.
Coding change: c.27_37delinsTGGCGGCGGCGGCGGCGGCAGCA on transcript NM_001161352.2 (MANE Select); coding-DNA positions 27 to 37, CGGCAGCAGCG replaced by TGGCGGCGGCGGCGGCGGCAGCA.
Protein change: p.Ser11_Gly13delinsGlyGlyGlyGlyGlySerSer.
Molecular consequence: inframe indel.
Genome position (GRCh38, 1-based): chr10:77,637,606-77,637,616, CGCTGCTGCCG replaced by TGCTGCCGCCGCCGCCGCCGCCA on the plus strand (CGGCAGCAGCG replaced by TGGCGGCGGCGGCGGCGGCAGCA on the coding strand, the reverse complement: KCNMA1 is on the minus strand). GRCh37 (hg19): chr10:79,397,364-79,397,374.
Other names: c.27_37delinsTGGCGGCGGCGGCGGCGGCAGCA, p.Ser11_Gly13delinsGlyGlyGlyGlyGlySerSer (NM_001014797.3, NM_001161353.2, NM_001271518.2 and 12 more transcripts); c.27_37delCGGCAGCAGCGinsTGGCGGCGGCGGCGGCGGCAGCA, p.Ser11_Gly13delinsGlyGlyGlyGlyGlySerSer (NM_001410940.1).
Identifiers: ClinVar variation 1722907 (VCV001722907.2), dbSNP rs2552275472, ClinGen allele CA2580082007.

ClinVar aggregate classification (germline): Uncertain significance (1 of 4 stars; one submission).

Submission:

GeneDx
Classification: Uncertain significance. Last evaluated: 2022-05-05. Review status: criteria provided, single submitter. Criteria: GeneDx Variant Classification Process June 2021. Collection method: clinical testing. Allele origin: germline. Affected: yes.
Comment: In-frame insertion of 7 amino acids in a repetitive region with no known function; Not observed at significant frequency in large population cohorts (gnomAD); Has not been previously published as pathogenic or benign to our knowledge